The following is an entry in ClinVar:

NM_182931.3(KMT2E):c.2365C>T (p.His789Tyr)

Gene: KMT2E (lysine methyltransferase 2E (inactive); plus strand). Cytogenetic location: 7q22.3.
Variant type: single nucleotide variant.
Coding change: c.2365C>T on transcript NM_182931.3 (MANE Select); coding-DNA position 2365, C replaced by T.
Protein change: p.His789Tyr; replaces histidine 789 with tyrosine.
Molecular consequence: missense variant.
Genome position (GRCh38, 1-based): chr7:105,105,607, C>T. VCF-style: chr7-105105607-C-T. GRCh37 (hg19) VCF-style: chr7-104746054-C-T.
Other names: c.2365C>T, p.His789Tyr (NM_001410908.1, NM_018682.4); short protein forms H789Y.
Identifiers: ClinVar variation 4998779 (VCV004998779.1).

ClinVar aggregate classification (germline): Uncertain significance (1 of 4 stars; one submission).

Conditions:
KMT2E-related disorder. Also called: KMT2E-related condition.

gnomAD v4.1: 1 of 1,613,166 alleles (0.000062%); highest among the groups gnomAD compares: Non-Finnish European, 0.000085%; no homozygotes.

Submission:

PreventionGenetics, part of Exact Sciences
Classification: Uncertain significance for KMT2E-related condition. Last evaluated: 2025-05-19. Review status: criteria provided, single submitter. Criteria: ACMG Guidelines, 2015. Collection method: clinical testing. Allele origin: germline.
Comment: The KMT2E c.2365C>T variant is predicted to result in the amino acid substitution p.His789Tyr. To our knowledge, this variant has not been reported in the literature or in a large population database (gnomAD), indicating this variant is rare. At this time, the clinical significance of this variant is uncertain due to the absence of conclusive functional and genetic evidence.